The following is an entry in ClinVar:

NM_000492.4(CFTR):c.4243-5C>G

Genes: CFTR (CF transmembrane conductance regulator; plus strand), LOC111674477 (CFTR intron 23 enhancer; plus strand). Cytogenetic location: 7q31.2.
Variant type: single nucleotide variant.
Coding change: c.4243-5C>G on transcript NM_000492.4 (MANE Select); 5 bases into the intron before coding-DNA position 4243, C replaced by G.
Molecular consequence: intron variant.
Genome position (GRCh38, 1-based): chr7:117,666,903, C>G. VCF-style: chr7-117666903-C-G. GRCh37 (hg19) VCF-style: chr7-117306957-C-G.
Identifiers: ClinVar variation 4992204 (VCV004992204.1).

ClinVar aggregate classification (germline): Uncertain significance (1 of 4 stars; one submission).

Conditions:
CFTR-related disorder (CFTR-RD). Also called: CFTR-related disorders; CFTR-related condition. Identifiers: MedGen C5924204, MONDO:7770004.

gnomAD v4.1: 4 of 1,613,870 alleles (0.00025%); highest among the groups gnomAD compares: Admixed American, 0.0033%; no homozygotes.

Submission:

PreventionGenetics, part of Exact Sciences
Classification: Uncertain significance for CFTR-related condition. Last evaluated: 2026-03-23. Review status: criteria provided, single submitter. Criteria: ACMG Guidelines, 2015. Collection method: clinical testing. Allele origin: germline.
Comment: The CFTR c.4243-5C>G variant is predicted to interfere with splicing. To our knowledge, this variant has not been reported in the literature. This variant is reported in 0.0029% of alleles in individuals of Latino descent in gnomAD. At this time, the clinical significance of this variant is uncertain due to the absence of conclusive functional and genetic evidence.